The following is an entry in ClinVar:

ClinVar aggregate classification (germline): Uncertain significance. Review status: criteria provided, multiple submitters, no conflicts (2 of 4 stars). 2 submissions from 2 submitters: Uncertain significance (2). Last evaluated 2024-11-05.

Conditions:
MHC class II deficiency. Also called: Bare lymphocyte syndrome 2; BLS, TYPE II. Identifiers: Orphanet 572, MedGen C5447452, MONDO:0008855.

Allele frequency attached by ClinVar (database versions not stated): gnomAD exomes 0.00002; gnomAD 0.00003; ExAC 0.00005; TOPMed 0.00006.
gnomAD v4.1: 32 of 1,613,844 alleles (0.002%); highest among the groups gnomAD compares: Middle Eastern, 0.017%; no homozygotes.

Submissions (2):

Labcorp Genetics (formerly Invitae), Labcorp
Classification: Uncertain significance for MHC class II deficiency. Last evaluated: 2024-11-05. Review status: criteria provided, single submitter. Criteria: Invitae Variant Classification Sherloc (09022015). Collection method: clinical testing. Allele origin: germline.
Comment: This sequence change replaces arginine, which is basic and polar, with glutamine, which is neutral and polar, at codon 260 of the RFX5 protein (p.Arg260Gln). This variant is present in population databases (rs767157275, gnomAD 0.007%). This variant has not been reported in the literature in individuals affected with RFX5-related conditions. ClinVar contains an entry for this variant (Variation ID: 2166316). An algorithm developed to predict the effect of missense changes on protein structure and function (PolyPhen-2) suggests that this variant is likely to be disruptive. In summary, the available evidence is currently insufficient to determine the role of this variant in disease. Therefore, it has been classified as a Variant of Uncertain Significance.

Ambry Genetics
Classification: Uncertain significance. Last evaluated: 2024-10-25. Review status: criteria provided, single submitter. Criteria: Ambry Variant Classification Scheme 2023. Collection method: clinical testing. Allele origin: germline.

NM_001025603.2(RFX5):c.779G>A (p.Arg260Gln)

Gene: RFX5 (regulatory factor X5; minus strand). Cytogenetic location: 1q21.3.
Variant type: single nucleotide variant.
Coding change: c.779G>A on transcript NM_001025603.2 (MANE Select); coding-DNA position 779, G replaced by A.
Protein change: p.Arg260Gln; replaces arginine 260 with glutamine.
Molecular consequence: missense variant.
Genome position (GRCh38, 1-based): chr1:151,343,421, C>T on the plus strand (G>A on the coding strand, the complement: RFX5 is on the minus strand). VCF-style: chr1-151343421-C-T. GRCh37 (hg19) VCF-style: chr1-151315897-C-T.
Other names: c.779G>A, p.Arg260Gln (NM_000449.4, NM_001379412.1, NM_001379413.1 and 5 more transcripts); c.659G>A, p.Arg220Gln (NM_001379419.1, NM_001379420.1); short protein forms R260Q, R220Q.
Identifiers: ClinVar variation 2166316 (VCV002166316.3), dbSNP rs767157275, ClinGen allele CA1089747.